The following is an entry in ClinVar:

ClinVar aggregate classification (germline): Likely benign (1 of 4 stars; one submission).

Allele frequency attached by ClinVar (database versions not stated): 1000 Genomes Project 0.00120; 1000 Genomes Project 30x 0.00141; TOPMed 0.00171; gnomAD exomes 0.00189; ESP Exome Variant Server 0.00231; gnomAD 0.00252; ExAC 0.00280.
gnomAD v4.1: 3,128 of 1,613,976 alleles (0.19%); highest among the groups gnomAD compares: Non-Finnish European, 0.21%; 11 homozygotes.

Submission:

CeGaT Center for Human Genetics Tuebingen
Classification: Likely benign. Last evaluated: 2023-02-01. Review status: criteria provided, single submitter. Criteria: CeGaT Center For Human Genetics Tuebingen Variant Classification Criteria Version 2. Collection method: clinical testing. Allele origin: germline. Affected: yes. Observed: 1 variant allele.
Comment: ATP6V1C2: BP4, BS2

NM_001039362.2(ATP6V1C2):c.1061+4C>T

Gene: ATP6V1C2 (ATPase H+ transporting V1 subunit C2; plus strand). Cytogenetic location: 2p25.1.
Variant type: single nucleotide variant.
Coding change: c.1061+4C>T on transcript NM_001039362.2 (MANE Select); 4 bases into the intron after coding-DNA position 1061, C replaced by T.
Molecular consequence: intron variant.
Genome position (GRCh38, 1-based): chr2:10,778,673, C>T. VCF-style: chr2-10778673-C-T. GRCh37 (hg19) VCF-style: chr2-10918799-C-T.
Other names: c.1091+4C>T (NM_001410707.1); c.923+4C>T (NM_144583.4).
Identifiers: ClinVar variation 2650679 (VCV002650679.24), dbSNP rs199523459, ClinGen allele CA1528164.